The following is an entry in ClinVar:

NM_000548.5(TSC2):c.298G>A (p.Ala100Thr)

Gene: TSC2 (TSC complex subunit 2; plus strand). Cytogenetic location: 16p13.3.
Variant type: single nucleotide variant.
Coding change: c.298G>A on transcript NM_000548.5 (MANE Select); coding-DNA position 298, G replaced by A.
Protein change: p.Ala100Thr; replaces alanine 100 with threonine.
Molecular consequence: missense variant. On other transcripts: intron variant (2).
Genome position (GRCh38, 1-based): chr16:2,053,414, G>A. VCF-style: chr16-2053414-G-A. GRCh37 (hg19) VCF-style: chr16-2103415-G-A.
Other names: c.298G>A, p.Ala100Thr (NM_001077183.3, NM_001114382.3, NM_001363528.2 and 3 more transcripts); c.151G>A, p.Ala51Thr (NM_001318829.2); c.331G>A, p.Ala111Thr (NM_001318832.2); c.226-882G>A (NM_001318827.2); c.-1-2782G>A (NM_001318831.2); short protein forms A111T, A100T, A51T.
Identifiers: ClinVar variation 950341 (VCV000950341.15), dbSNP rs369314296, ClinGen allele CA043637.

ClinVar aggregate classification (germline): Conflicting classifications of pathogenicity. Review status: criteria provided, conflicting classifications (1 of 4 stars). 4 submissions from 4 submitters: Uncertain significance (2); Likely benign (2). Last evaluated 2025-06-11.

Conditions:
Hereditary cancer-predisposing syndrome. Also called: Hereditary neoplastic syndrome; Tumor predisposition; Neoplastic Syndromes, Hereditary; Hereditary Cancer Syndrome. Identifiers: Orphanet 140162, MedGen C0027672, MeSH D009386, MONDO:0015356.
Lymphangiomyomatosis (LAM). Also called: Lymphangioleiomyomatosis, somatic; Lymphangioleiomyomatosis. Identifiers: Orphanet 538, MedGen C0751674, MONDO:0011705, OMIM 606690.
Isolated focal cortical dysplasia type II (FCORD2). Also called: Focal cortical dysplasia type II; CORTICAL DYSPLASIA OF TAYLOR. Identifiers: Orphanet 268994, MedGen C1846385, MONDO:0011818, OMIM 607341, HP:0032051.
Tuberous sclerosis 2 (TSC2). Identifiers: Orphanet 805, MedGen C1860707, MONDO:0013199, OMIM 613254.
Tuberous sclerosis syndrome (TSC). Also called: Tuberous Sclerosis Complex; Tuberous sclerosis. Identifiers: Orphanet 805, MedGen C0041341, MONDO:0001734.

Allele frequency attached by ClinVar (database versions not stated): TOPMed below 0.00001; gnomAD exomes 0.00001 and 0.00002; ESP Exome Variant Server 0.00008; ExAC 0.00009.
gnomAD v4.1: 10 of 1,585,924 alleles (0.00063%); highest among the groups gnomAD compares: South Asian, 0.0035%; no homozygotes.

Submissions (4):

Labcorp Genetics (formerly Invitae), Labcorp
Classification: Likely benign for Tuberous sclerosis 2. Last evaluated: 2025-06-11. Review status: criteria provided, single submitter. Criteria: Invitae Variant Classification Sherloc (09022015). Collection method: clinical testing. Allele origin: germline.

Fulgent Genetics
Classification: Uncertain significance for Lymphangiomyomatosis; Isolated focal cortical dysplasia type II; Tuberous sclerosis 2. Last evaluated: 2024-05-12. Review status: criteria provided, single submitter. Criteria: ACMG Guidelines, 2015. Collection method: clinical testing. Allele origin: germline.

Ambry Genetics
Classification: Uncertain significance for Hereditary cancer-predisposing syndrome. Last evaluated: 2024-04-11. Review status: criteria provided, single submitter. Criteria: Ambry Variant Classification Scheme 2023. Collection method: clinical testing. Allele origin: germline.
Comment: The p.A100T variant (also known as c.298G>A), located in coding exon 3 of the TSC2 gene, results from a G to A substitution at nucleotide position 298. The alanine at codon 100 is replaced by threonine, an amino acid with similar properties. This amino acid position is well conserved in available vertebrate species. In addition, the in silico prediction for this alteration is inconclusive. Based on the available evidence, the clinical significance of this variant remains unclear.

All of Us Research Program, National Institutes of Health
Classification: Likely benign for Tuberous sclerosis syndrome. Last evaluated: 2024-03-24. Review status: criteria provided, single submitter. Criteria: ACMG Guidelines, 2015. Collection method: clinical testing. Allele origin: germline. Inheritance: Autosomal dominant inheritance. Observed: 1 variant allele, 1 heterozygote.
Comment: This study involves interpretation of variants in research participants for the purpose of population health screening. Participant phenotype was not available at the time of variant classification. Additional details can be found in publication PMID: 35346344, PMCID: PMC8962531